The following is an entry in ClinVar:

NM_006506.5(RASA2):c.1831A>G (p.Met611Val)

Gene: RASA2 (RAS p21 protein activator 2; plus strand). Cytogenetic location: 3q23.
Variant type: single nucleotide variant.
Coding change: c.1831A>G on transcript NM_006506.5 (MANE Select); coding-DNA position 1831, A replaced by G.
Protein change: p.Met611Val; replaces methionine 611 with valine.
Molecular consequence: missense variant.
Genome position (GRCh38, 1-based): chr3:141,586,650, A>G. VCF-style: chr3-141586650-A-G. GRCh37 (hg19) VCF-style: chr3-141305492-A-G.
Other names: c.1831A>G, p.Met611Val (NM_001303245.3, NM_001303246.3); short protein forms M611V.
Identifiers: ClinVar variation 2447623 (VCV002447623.2), dbSNP rs2478782786, ClinGen allele CA354781996.

ClinVar aggregate classification (germline): Uncertain significance (1 of 4 stars; one submission).

Allele frequency attached by ClinVar (database versions not stated): gnomAD exomes below 0.00001.
gnomAD v4.1: 6 of 1,599,244 alleles (0.00038%); highest among the groups gnomAD compares: Non-Finnish European, 0.00051%; no homozygotes.

Submission:

Ambry Genetics
Classification: Uncertain significance. Last evaluated: 2022-12-31. Review status: criteria provided, single submitter. Criteria: Ambry Variant Classification Scheme 2023. Collection method: clinical testing. Allele origin: germline.
Comment: The p.M611V variant (also known as c.1831A>G), located in coding exon 19 of the RASA2 gene, results from an A to G substitution at nucleotide position 1831. The methionine at codon 611 is replaced by valine, an amino acid with highly similar properties. This amino acid position is conserved. In addition, the in silico prediction for this alteration is inconclusive. Since supporting evidence is limited at this time, the clinical significance of this alteration remains unclear.